The following is an entry in ClinVar:

ClinVar aggregate classification (germline): Benign. Review status: criteria provided, multiple submitters, no conflicts (2 of 4 stars). 2 submissions from 2 submitters: Benign (2). Last evaluated 2018-01-13.

Conditions:
Acrodysostosis 2 with or without hormone resistance. Also called: ACRODYSOSTOSIS 2 WITH HORMONE RESISTANCE; ACRODYSOSTOSIS 2 WITHOUT HORMONE RESISTANCE. Identifiers: Orphanet 280651, MedGen C3553250, MONDO:0013822, OMIM 614613.

Allele frequency attached by ClinVar (database versions not stated): 1000 Genomes Project 0.01797; 1000 Genomes Project 30x 0.01968; gnomAD 0.02023 and 0.02156; TOPMed 0.02303.

Submissions (2):

Illumina Laboratory Services, Illumina
Classification: Benign for Acrodysostosis 2 with or without hormone resistance. Last evaluated: 2018-01-13. Review status: criteria provided, single submitter. Criteria: ICSL Variant Classification Criteria 13 December 2019. Collection method: clinical testing. Allele origin: germline.
Comment: This variant was observed in the ICSL laboratory as part of a predisposition screen in an ostensibly healthy population. It had not been previously curated by ICSL or reported in the Human Gene Mutation Database (HGMD: prior to June 1st, 2018), and was therefore a candidate for classification through an automated scoring system. Utilizing variant allele frequency, disease prevalence and penetrance estimates, and inheritance mode, an automated score was calculated to assess if this variant is too frequent to cause the disease. Based on the score and internal cut-off values, a variant classified as benign is not then subjected to further curation. The score for this variant resulted in a classification of benign for this disease.

Breakthrough Genomics
Classification: Benign. Review status: criteria provided, single submitter. Criteria: ACMG Guidelines, 2015. Collection method: not provided. Allele origin: germline. Inheritance: Autosomal dominant inheritance. Affected: yes.

NM_001104631.2(PDE4D):c.*1773A>G

Gene: PDE4D (phosphodiesterase 4D; minus strand). Cytogenetic location: 5q11.2.
Variant type: single nucleotide variant.
Coding change: c.*1773A>G on transcript NM_001104631.2 (MANE Select); 1773 bases downstream of the stop codon, A replaced by G.
Molecular consequence: 3 prime UTR variant.
Genome position (GRCh38, 1-based): chr5:58,972,891, T>C on the plus strand (A>G on the coding strand, the complement: PDE4D is on the minus strand). VCF-style: chr5-58972891-T-C. GRCh37 (hg19) VCF-style: chr5-58268718-T-C.
Other names: c.*1773A>G (NM_001165899.2, NM_001197218.2, NM_001197219.2 and 11 more transcripts).
Identifiers: ClinVar variation 353957 (VCV000353957.6), dbSNP rs829260, ClinGen allele CA10620621.
Genomic context (GRCh38, chr5:58,972,891, plus strand): 5'-TCAGCCAAGAGTGATCTCTAATTTTTTATTTAACCAGAATTTTTACCAATATAATAAATA[T>C]TTTAGGATGCATCACAGTACTAACCCTCTGGTGCCAGTGGCATCATCTTCTTTCCCTCCA-3'